The following is an entry in ClinVar:

NC_000015.9:g.(?_32971947)_(33004759_?)dup

Genes: ARHGAP11A-SCG5 (ARHGAP11A-SCG5 readthrough; plus strand), GREM1 (gremlin 1, DAN family BMP antagonist; plus strand), SCG5 (secretogranin V; plus strand), LOC125078054 (Sharpr-MPRA regulatory region 2498; plus strand). Cytogenetic location: 15q13.3.
Variant type: Duplication.
Identifiers: ClinVar variation 476579 (VCV000476579.10).

ClinVar aggregate classification (germline): Pathogenic (1 of 4 stars; one submission).

Conditions:
Familial colorectal cancer. Identifiers: MedGen CN280943, MONDO:0023113. Disease mechanism: loss of function.

Submission:

Labcorp Genetics (formerly Invitae), Labcorp
Classification: Pathogenic for Familial colorectal cancer. Last evaluated: 2023-12-05. Review status: criteria provided, single submitter. Criteria: Invitae Variant Classification Sherloc (09022015). Collection method: clinical testing. Allele origin: germline.
Comment: This variant results in a copy number gain of the genomic region encompassing the promoter of the GREM1 gene. The precise boundaries of this event are unknown as they extend beyond the assayed region for this gene and therefore may encompass additional genes. A 40 kb tandem duplication spanning the 3' end of the SCG5 gene and the region upstream of the GREM1 gene has been reported to segregate in several Ashkenazi Jewish families with hereditary mixed polyposis syndrome. Within these families this tandem duplication was present in 40 affected individuals, while absent in 50 of the unaffected family members (PMID: 22561515, 25992589). In addition, a smaller 16 kb tandem duplication spanning the promoter region of the GREM1 gene has been reported in a family with mixed polyposis syndrome, but of no Ashkenazi Jewish ancestry (PMID: 26493165). It has also been observed to segregate with disease in related individuals. Algorithms developed to predict the effect of variants on protein structure and function are not available or were not evaluated for this variant. Experimental studies have shown that a similar copy number variant affects GREM1 function (PMID: 22561515). For these reasons, this variant has been classified as Pathogenic.

Literature cited by the submitters: PubMed 22561515; PubMed 25992589; PubMed 26493165.